The following is an entry in ClinVar:

ClinVar aggregate classification (germline): Uncertain significance (1 of 4 stars; one submission).

Conditions:
Pityriasis rubra pilaris (PRP). Also called: Pityriasis rubra pilaris--familial type. Identifiers: Orphanet 2897, MedGen C0032027, MONDO:0100017, OMIM 173200, MONDO:0008251.
Psoriasis 2. Identifiers: MedGen C1864497, MONDO:0011269, OMIM 602723.

Allele frequency attached by ClinVar (database versions not stated): ExAC 0.00003; gnomAD exomes 0.00005 and 0.00011; TOPMed 0.00006; gnomAD 0.00008 and 0.00009.
gnomAD v4.1: 166 of 1,604,366 alleles (0.01%); highest among the groups gnomAD compares: Admixed American, 0.026%; no homozygotes.

Submission:

Labcorp Genetics (formerly Invitae), Labcorp
Classification: Uncertain significance for Pityriasis rubra pilaris; Psoriasis 2. Last evaluated: 2023-09-17. Review status: criteria provided, single submitter. Criteria: Invitae Variant Classification Sherloc (09022015). Collection method: clinical testing. Allele origin: germline.
Comment: In summary, the available evidence is currently insufficient to determine the role of this variant in disease. Therefore, it has been classified as a Variant of Uncertain Significance. Advanced modeling of protein sequence and biophysical properties (such as structural, functional, and spatial information, amino acid conservation, physicochemical variation, residue mobility, and thermodynamic stability) performed at Invitae indicates that this missense variant is not expected to disrupt CARD14 protein function. ClinVar contains an entry for this variant (Variation ID: 938552). This variant has not been reported in the literature in individuals affected with CARD14-related conditions. This variant is present in population databases (rs575494155, gnomAD 0.02%). This sequence change replaces alanine, which is neutral and non-polar, with threonine, which is neutral and polar, at codon 990 of the CARD14 protein (p.Ala990Thr).

NM_001366385.1(CARD14):c.2968G>A (p.Ala990Thr)

Genes: CARD14 (caspase recruitment domain family member 14; plus strand), SGSH (N-sulfoglucosamine sulfohydrolase; minus strand). Cytogenetic location: 17q25.3.
Variant type: single nucleotide variant.
Coding change: c.2968G>A on transcript NM_001366385.1 (MANE Select); coding-DNA position 2968, G replaced by A.
Protein change: p.Ala990Thr; replaces alanine 990 with threonine.
Molecular consequence: missense variant. On other transcripts: non-coding transcript variant (1).
Genome position (GRCh38, 1-based): chr17:80,208,298, G>A. VCF-style: chr17-80208298-G-A. GRCh37 (hg19) VCF-style: chr17-78182097-G-A.
Other names: c.2968G>A, p.Ala990Thr (NM_024110.4); short protein forms A990T.
Identifiers: ClinVar variation 938552 (VCV000938552.8), dbSNP rs575494155, ClinGen allele CA8817520.